The following is an entry in ClinVar:

ClinVar aggregate classification (germline): Uncertain significance (1 of 4 stars; one submission).

Submission:

Labcorp Genetics (formerly Invitae), Labcorp
Classification: Uncertain significance. Last evaluated: 2025-02-11. Review status: criteria provided, single submitter. Criteria: Invitae Variant Classification Sherloc (09022015). Collection method: clinical testing. Allele origin: germline.
Comment: This sequence change creates a premature translational stop signal (p.Arg188*) in the PDX1 gene. While this is not anticipated to result in nonsense mediated decay, it is expected to disrupt the last 96 amino acid(s) of the PDX1 protein. This variant is not present in population databases (gnomAD no frequency). This premature translational stop signal has been observed in individual(s) with autosomal dominant PDX1-related conditions (internal data). Experimental studies and prediction algorithms are not available or were not evaluated, and the functional significance of this variant is currently unknown. In summary, the available evidence is currently insufficient to determine the role of this variant in disease. Therefore, it has been classified as a Variant of Uncertain Significance.

NM_000209.4(PDX1):c.562A>T (p.Arg188Ter)

Gene: PDX1 (pancreatic and duodenal homeobox 1; plus strand). Cytogenetic location: 13q12.2.
Variant type: single nucleotide variant.
Coding change: c.562A>T on transcript NM_000209.4 (MANE Select); coding-DNA position 562, A replaced by T.
Protein change: p.Arg188Ter; replaces arginine 188 with a stop codon.
Molecular consequence: nonsense.
Genome position (GRCh38, 1-based): chr13:27,924,411, A>T. VCF-style: chr13-27924411-A-T. GRCh37 (hg19) VCF-style: chr13-28498548-A-T.
Other names: short protein forms R188*.
Identifiers: ClinVar variation 4760817 (VCV004760817.1).